The following is an entry in ClinVar:

ClinVar aggregate classification (germline): Likely benign (1 of 4 stars; one submission).

Conditions:
GCLC-related disorder. Also called: GCLC-related condition.

gnomAD v4.1: 8 of 1,611,376 alleles (0.0005%); highest among the groups gnomAD compares: African/African-American, 0.011%; no homozygotes.

Submission:

PreventionGenetics, part of Exact Sciences
Classification: Likely benign for GCLC-related condition. Last evaluated: 2026-04-08. Review status: criteria provided, single submitter. Criteria: ACMG Guidelines, 2015. Collection method: clinical testing. Allele origin: germline.
Comment: This variant is classified as likely benign based on ACMG/AMP sequence variant interpretation guidelines (Richards et al. 2015 PMID: 25741868, with internal and published modifications).

NM_001498.4(GCLC):c.618A>C (p.Pro206=)

Gene: GCLC (glutamate-cysteine ligase catalytic subunit; minus strand). Cytogenetic location: 6p12.1.
Variant type: single nucleotide variant.
Coding change: c.618A>C on transcript NM_001498.4 (MANE Select); coding-DNA position 618, A replaced by C.
Protein change: p.Pro206=; no amino-acid change (proline 206 retained).
Molecular consequence: synonymous variant.
Genome position (GRCh38, 1-based): chr6:53,514,440, T>G on the plus strand (A>C on the coding strand, the complement: GCLC is on the minus strand). VCF-style: chr6-53514440-T-G. GRCh37 (hg19) VCF-style: chr6-53379238-T-G.
Other names: c.504A>C, p.Pro168= (NM_001197115.2).
Identifiers: ClinVar variation 4984196 (VCV004984196.1).
Genomic context (GRCh38, chr6:53,514,440, plus strand): 5'-GGATTAAACAACAATACAACATGTCTCTCTCCCACCCCACCACCTCTCAGTAGACTTACT[T>G]GGTACATTGATGACAACCTTTTCTCCTCTCCTATGTCGGATATTTCTTGTTAAGGTACTA-3'
Protein context (NP_001489.1, residues 196-216): RRGEKVVINV[Pro206=]IFKDKNTPSP